The following is an entry in ClinVar:

NM_020693.4(DSCAML1):c.4714G>A (p.Asp1572Asn)

Gene: DSCAML1 (DS cell adhesion molecule like 1; minus strand). Cytogenetic location: 11q23.3.
Variant type: single nucleotide variant.
Coding change: c.4714G>A on transcript NM_020693.4 (MANE Select); coding-DNA position 4714, G replaced by A.
Protein change: p.Asp1572Asn; replaces aspartic acid 1572 with asparagine.
Molecular consequence: missense variant.
Genome position (GRCh38, 1-based): chr11:117,437,128, C>T on the plus strand (G>A on the coding strand, the complement: DSCAML1 is on the minus strand). VCF-style: chr11-117437128-C-T. GRCh37 (hg19) VCF-style: chr11-117307844-C-T.
Other names: short protein forms D1572N.
Identifiers: ClinVar variation 2150263 (VCV002150263.4), dbSNP rs765012365, ClinGen allele CA6296305.

ClinVar aggregate classification (germline): Uncertain significance (1 of 4 stars; one submission).

Allele frequency attached by ClinVar (database versions not stated): gnomAD 0.00001; gnomAD exomes 0.00001; ExAC 0.00002; TOPMed 0.00002.
gnomAD v4.1: 21 of 1,611,854 alleles (0.0013%); highest among the groups gnomAD compares: Admixed American, 0.0033%; no homozygotes.

Submission:

Labcorp Genetics (formerly Invitae), Labcorp
Classification: Uncertain significance. Last evaluated: 2024-08-20. Review status: criteria provided, single submitter. Criteria: Invitae Variant Classification Sherloc (09022015). Collection method: clinical testing. Allele origin: germline.
Comment: This sequence change replaces aspartic acid, which is acidic and polar, with asparagine, which is neutral and polar, at codon 1632 of the DSCAML1 protein (p.Asp1632Asn). This variant is present in population databases (rs765012365, gnomAD 0.005%). This variant has not been reported in the literature in individuals affected with DSCAML1-related conditions. ClinVar contains an entry for this variant (Variation ID: 2150263). An algorithm developed to predict the effect of missense changes on protein structure and function (PolyPhen-2) suggests that this variant is likely to be disruptive. In summary, the available evidence is currently insufficient to determine the role of this variant in disease. Therefore, it has been classified as a Variant of Uncertain Significance.